The following is an entry in ClinVar:

NM_178857.6(RP1L1):c.3546A>G (p.Pro1182=)

Gene: RP1L1 (RP1 like 1). Cytogenetic location: 8p23.1.
Variant type: single nucleotide variant.
Coding change: c.3546A>G on transcript NM_178857.6 (MANE Select); coding-DNA position 3546, A replaced by G.
Protein change: p.Pro1182=; no amino-acid change (proline 1182 retained).
Molecular consequence: synonymous variant.
Genome position (GRCh38, 1-based): chr8:10,610,552, T>C on the plus strand (A>G on the coding strand, the complement: RP1L1 is on the minus strand). VCF-style: chr8-10610552-T-C. GRCh37 (hg19) VCF-style: chr8-10468062-T-C.
Other names: c.3546A>G (NM_178857.5).
Identifiers: ClinVar variation 4899183 (VCV004899183.2).

ClinVar aggregate classification (germline): Likely benign. Review status: criteria provided, multiple submitters, no conflicts (2 of 4 stars). 2 submissions from 2 submitters: Likely benign (2). Last evaluated 2025-05-08.

Conditions:
RP1L1-related disorder. Also called: RP1L1-related condition.

gnomAD v4.1: 14 of 1,613,580 alleles (0.00087%); highest among the groups gnomAD compares: Non-Finnish European, 0.0012%; no homozygotes.

Submissions (2):

PreventionGenetics, part of Exact Sciences
Classification: Likely benign for RP1L1-related condition. Last evaluated: 2025-05-08. Review status: criteria provided, single submitter. Criteria: ACMG Guidelines, 2015. Collection method: clinical testing. Allele origin: germline.
Comment: This variant is classified as likely benign based on ACMG/AMP sequence variant interpretation guidelines (Richards et al. 2015 PMID: 25741868, with internal and published modifications).

Blueprint Genetics
Classification: Likely benign. Last evaluated: 2017-07-14. Review status: criteria provided, single submitter. Criteria: ACMG Guidelines, 2015. Collection method: clinical testing. Allele origin: germline.